The following is an entry in ClinVar:

NM_000222.3(KIT):c.1633T>G (p.Tyr545Asp)

Gene: KIT (KIT proto-oncogene, receptor tyrosine kinase; plus strand). Cytogenetic location: 4q12.
Variant type: single nucleotide variant.
Coding change: c.1633T>G on transcript NM_000222.3 (MANE Select); coding-DNA position 1633, T replaced by G.
Protein change: p.Tyr545Asp; replaces tyrosine 545 with aspartic acid.
Molecular consequence: missense variant.
Genome position (GRCh38, 1-based): chr4:54,727,310, T>G. VCF-style: chr4-54727310-T-G. GRCh37 (hg19) VCF-style: chr4-55593476-T-G.
Other names: c.1621T>G, p.Tyr541Asp (NM_001093772.2, NM_001385286.1); c.1636T>G, p.Tyr546Asp (NM_001385284.1, NM_001385290.1); c.1633T>G, p.Tyr545Asp (NM_001385285.1); c.1624T>G, p.Tyr542Asp (NM_001385288.1, NM_001385292.1); short protein forms Y546D, Y541D, Y542D, Y545D.
Identifiers: ClinVar variation 2773244 (VCV002773244.4), dbSNP rs2109774554, ClinGen allele CA356907366.

ClinVar aggregate classification (germline): Uncertain significance. Review status: criteria provided, multiple submitters, no conflicts (2 of 4 stars). 2 submissions from 2 submitters: Uncertain significance (2). Last evaluated 2026-07-07.

Conditions:
Hereditary cancer-predisposing syndrome. Also called: Hereditary Cancer Syndrome; Hereditary neoplastic syndrome; Neoplastic Syndromes, Hereditary; Tumor predisposition. Identifiers: Orphanet 140162, MedGen C0027672, MeSH D009386, MONDO:0015356.
Gastrointestinal stromal tumor. Also called: Gastrointestinal stroma tumor; Gastrointestinal stromal tumor, somatic. Identifiers: Orphanet 44890, MedGen C0238198, MeSH D046152, MONDO:0011719, OMIM 606764, HP:0100723.

Submissions (2):

Ambry Genetics
Classification: Uncertain significance for Hereditary cancer-predisposing syndrome. Last evaluated: 2026-07-07. Review status: criteria provided, single submitter. Criteria: Ambry Variant Classification Scheme 2023. Collection method: clinical testing. Allele origin: germline.
Comment: The p.Y545D variant (also known as c.1633T>G), located in coding exon 10 of the KIT gene, results from a T to G substitution at nucleotide position 1633. The tyrosine at codon 545 is replaced by aspartic acid, an amino acid with highly dissimilar properties. This amino acid position is conserved. In addition, this alteration is predicted to be deleterious by in silico analysis. Based on the available evidence, the clinical significance of this variant remains unclear.

Labcorp Genetics (formerly Invitae), Labcorp
Classification: Uncertain significance for Gastrointestinal stromal tumor. Last evaluated: 2023-06-05. Review status: criteria provided, single submitter. Criteria: Invitae Variant Classification Sherloc (09022015). Collection method: clinical testing. Allele origin: germline.
Comment: An algorithm developed to predict the effect of missense changes on protein structure and function (PolyPhen-2) suggests that this variant is likely to be disruptive. In summary, the available evidence is currently insufficient to determine the role of this variant in disease. Therefore, it has been classified as a Variant of Uncertain Significance. This variant has not been reported in the literature in individuals affected with KIT-related conditions. This variant is not present in population databases (gnomAD no frequency). This sequence change replaces tyrosine, which is neutral and polar, with aspartic acid, which is acidic and polar, at codon 545 of the KIT protein (p.Tyr545Asp).